The following is an entry in ClinVar:

ClinVar aggregate classification (germline): Uncertain significance (1 of 4 stars; one submission).

Allele frequency attached by ClinVar (database versions not stated): gnomAD exomes below 0.00001.
gnomAD v4.1: 1 of 1,613,598 alleles (0.000062%); highest among the groups gnomAD compares: African/African-American, 0.0013%; no homozygotes.

Submission:

Mayo Clinic Laboratories, Mayo Clinic
Classification: Uncertain significance. Last evaluated: 2023-03-27. Review status: criteria provided, single submitter. Criteria: ACMG Guidelines, 2015. Collection method: clinical testing. Allele origin: germline. Observed: 1 variant allele.
Comment: BP4, PM2

NM_001083961.2(WDR62):c.3761C>G (p.Ser1254Cys)

Gene: WDR62 (WD repeat domain 62; plus strand). Cytogenetic location: 19q13.12.
Variant type: single nucleotide variant.
Coding change: c.3761C>G on transcript NM_001083961.2 (MANE Select); coding-DNA position 3761, C replaced by G.
Protein change: p.Ser1254Cys; replaces serine 1254 with cysteine.
Molecular consequence: missense variant.
Genome position (GRCh38, 1-based): chr19:36,103,589, C>G. VCF-style: chr19-36103589-C-G. GRCh37 (hg19) VCF-style: chr19-36594491-C-G.
Other names: p.Ser1254Cys; c.3746C>G, p.Ser1249Cys (NM_001411145.1, NM_173636.5); c.3512C>G, p.Ser1171Cys (NM_001411146.1); c.3410C>G, p.Ser1137Cys (NM_001411147.1); short protein forms S1137C, S1171C, S1249C, S1254C.
Identifiers: ClinVar variation 2683495 (VCV002683495.1), dbSNP rs1973530503, ClinGen allele CA405457717.